The following is an entry in ClinVar:

ClinVar aggregate classification (germline): Uncertain significance (1 of 4 stars; one submission).

Conditions:
Inborn genetic diseases. Identifiers: MedGen C0950123, MeSH D030342.

Submission:

Ambry Genetics
Classification: Uncertain significance for Inborn genetic diseases. Last evaluated: 2025-04-24. Review status: criteria provided, single submitter. Criteria: Ambry Variant Classification Scheme 2023. Collection method: clinical testing. Allele origin: germline.
Comment: The p.N583H variant (also known as c.1747A>C), located in coding exon 12 of the LTBP3 gene, results from an A to C substitution at nucleotide position 1747. The asparagine at codon 583 is replaced by histidine, an amino acid with similar properties. This amino acid position is conserved. In addition, this alteration is predicted to be tolerated by in silico analysis. Based on the available evidence, the clinical significance of this variant remains unclear.

NM_001130144.3(LTBP3):c.1747A>C (p.Asn583His)

Gene: LTBP3 (latent transforming growth factor beta binding protein 3; minus strand). Cytogenetic location: 11q13.1.
Variant type: single nucleotide variant.
Coding change: c.1747A>C on transcript NM_001130144.3 (MANE Select); coding-DNA position 1747, A replaced by C.
Protein change: p.Asn583His; replaces asparagine 583 with histidine.
Molecular consequence: missense variant.
Genome position (GRCh38, 1-based): chr11:65,548,019, T>G on the plus strand (A>C on the coding strand, the complement: LTBP3 is on the minus strand). VCF-style: chr11-65548019-T-G. GRCh37 (hg19) VCF-style: chr11-65315490-T-G.
Other names: c.1396A>C, p.Asn466His (NM_001164266.1); c.1747A>C, p.Asn583His (NM_021070.4); short protein forms N466H, N583H.
Identifiers: ClinVar variation 4049870 (VCV004049870.1).